The following is an entry in ClinVar:

ClinVar aggregate classification (germline): Uncertain significance (1 of 4 stars; one submission).

gnomAD v4.1: 1 of 1,613,810 alleles (0.000062%); highest among the groups gnomAD compares: South Asian, 0.0011%; no homozygotes.

Submission:

GeneDx
Classification: Uncertain significance. Last evaluated: 2024-07-10. Review status: criteria provided, single submitter. Criteria: GeneDx Variant Classification Process June 2021. Collection method: clinical testing. Allele origin: germline. Affected: yes.
Comment: Not observed at significant frequency in large population cohorts (gnomAD); In silico analysis supports that this missense variant has a deleterious effect on protein structure/function; Has not been previously published as pathogenic or benign to our knowledge

NM_004700.4(KCNQ4):c.1919A>G (p.Tyr640Cys)

Gene: KCNQ4 (potassium voltage-gated channel subfamily Q member 4; plus strand). Cytogenetic location: 1p34.2.
Variant type: single nucleotide variant.
Coding change: c.1919A>G on transcript NM_004700.4 (MANE Select); coding-DNA position 1919, A replaced by G.
Protein change: p.Tyr640Cys; replaces tyrosine 640 with cysteine.
Molecular consequence: missense variant.
Genome position (GRCh38, 1-based): chr1:40,838,354, A>G. VCF-style: chr1-40838354-A-G. GRCh37 (hg19) VCF-style: chr1-41304026-A-G.
Other names: c.1757A>G, p.Tyr586Cys (NM_172163.3); short protein forms Y586C, Y640C.
Identifiers: ClinVar variation 3572714 (VCV003572714.1).